The following is an entry in ClinVar:

ClinVar aggregate classification (germline): Uncertain significance (1 of 4 stars; one submission).

Conditions:
Inborn genetic diseases. Identifiers: MedGen C0950123, MeSH D030342.

Submission:

Ambry Genetics
Classification: Uncertain significance for Inborn genetic diseases. Last evaluated: 2025-04-24. Review status: criteria provided, single submitter. Criteria: Ambry Variant Classification Scheme 2023. Collection method: clinical testing. Allele origin: germline.
Comment: The p.S251R variant (also known as c.753C>G), located in coding exon 1 of the CEBPA gene, results from a C to G substitution at nucleotide position 753. The serine at codon 251 is replaced by arginine, an amino acid with dissimilar properties. This amino acid position is conserved. In addition, this alteration is predicted to be tolerated by in silico analysis. Based on the available evidence, the clinical significance of this variant remains unclear.

NM_004364.5(CEBPA):c.753C>G (p.Ser251Arg)

Gene: CEBPA (CCAAT enhancer binding protein alpha; minus strand). Cytogenetic location: 19q13.11.
Variant type: single nucleotide variant.
Coding change: c.753C>G on transcript NM_004364.5 (MANE Select); coding-DNA position 753, C replaced by G.
Protein change: p.Ser251Arg; replaces serine 251 with arginine.
Molecular consequence: missense variant.
Genome position (GRCh38, 1-based): chr19:33,301,662, G>C on the plus strand (C>G on the coding strand, the complement: CEBPA is on the minus strand). VCF-style: chr19-33301662-G-C. GRCh37 (hg19) VCF-style: chr19-33792568-G-C.
Other names: c.396C>G, p.Ser132Arg (NM_001285829.2); c.858C>G, p.Ser286Arg (NM_001287424.2); c.711C>G, p.Ser237Arg (NM_001287435.2); short protein forms S132R, S251R, S286R, S237R.
Identifiers: ClinVar variation 4000000 (VCV004000000.1).